The following is an entry in ClinVar:

NM_003482.4(KMT2D):c.2839G>A (p.Ala947Thr)

Gene: KMT2D (lysine methyltransferase 2D; minus strand). Cytogenetic location: 12q13.12.
Variant type: single nucleotide variant.
Coding change: c.2839G>A on transcript NM_003482.4 (MANE Select); coding-DNA position 2839, G replaced by A.
Protein change: p.Ala947Thr; replaces alanine 947 with threonine.
Molecular consequence: missense variant.
Genome position (GRCh38, 1-based): chr12:49,050,749, C>T on the plus strand (G>A on the coding strand, the complement: KMT2D is on the minus strand). VCF-style: chr12-49050749-C-T. GRCh37 (hg19) VCF-style: chr12-49444532-C-T.
Other names: short protein forms A947T.
Identifiers: ClinVar variation 4801256 (VCV004801256.1).
Genomic context (GRCh38, chr12:49,050,749, plus strand): 5'-TGTCCCCTTTGGCACCAAAGGGGTACTCTAACTCCCCCAAAGGAGACAGGGCCGGTGGGG[C>T]CGCAGCTGTGATGATGGGTGAGAGTGGAGGAGGAAGGGGATCTGGAAGGAAAGAGAAAAA-3'
Protein context (NP_003473.3, residues 937-957): PPLSPIITAA[Ala947Thr]PPALSPLGEL

ClinVar aggregate classification (germline): Uncertain significance (1 of 4 stars; one submission).

Conditions:
Kabuki syndrome. Also called: NIIKAWA-KUROKI SYNDROME; Kabuki make-up syndrome. Identifiers: Orphanet 2322, MedGen C0796004, MONDO:0016512.

Submission:

Labcorp Genetics (formerly Invitae), Labcorp
Classification: Uncertain significance for Kabuki syndrome. Last evaluated: 2025-05-04. Review status: criteria provided, single submitter. Criteria: Invitae Variant Classification Sherloc (09022015). Collection method: clinical testing. Allele origin: germline.
Comment: This sequence change replaces alanine, which is neutral and non-polar, with threonine, which is neutral and polar, at codon 947 of the KMT2D protein (p.Ala947Thr). This variant is not present in population databases (gnomAD no frequency). This variant has not been reported in the literature in individuals affected with KMT2D-related conditions. Invitae Evidence Modeling of protein sequence and biophysical properties (such as structural, functional, and spatial information, amino acid conservation, physicochemical variation, residue mobility, and thermodynamic stability) indicates that this missense variant is not expected to disrupt KMT2D protein function with a negative predictive value of 95%. In summary, the available evidence is currently insufficient to determine the role of this variant in disease. Therefore, it has been classified as a Variant of Uncertain Significance.